The following is an entry in ClinVar:

ClinVar aggregate classification (germline): Likely benign. Review status: criteria provided, multiple submitters, no conflicts (2 of 4 stars). 2 submissions from 2 submitters: Likely benign (2). Last evaluated 2025-11-05.

Conditions:
Papillary renal cell carcinoma type 1 (RCCP1). Also called: Renal adenocarcinoma; Renal cell carcinoma 1; Renal cell carcinoma, somatic; RENAL CELL CARCINOMA, PAPILLARY, 1, SOMATIC. Identifiers: Orphanet 47044, MedGen C1336839, OMIM 605074, HP:0011797.
Renal cell carcinoma. Identifiers: Orphanet 217071, MedGen C0007134, MeSH D002292, MONDO:0005086, HP:0005584.

Allele frequency attached by ClinVar (database versions not stated): gnomAD exomes below 0.00001; TOPMed below 0.00001; gnomAD 0.00001.
gnomAD v4.1: 21 of 1,611,112 alleles (0.0013%); highest among the groups gnomAD compares: Non-Finnish European, 0.0016%; no homozygotes.

Submissions (2):

Labcorp Genetics (formerly Invitae), Labcorp
Classification: Likely benign for Renal cell carcinoma. Last evaluated: 2025-11-05. Review status: criteria provided, single submitter. Criteria: Invitae Variant Classification Sherloc (09022015). Collection method: clinical testing. Allele origin: germline.

Myriad Genetics, Inc.
Classification: Likely benign for Papillary renal cell carcinoma type 1. Last evaluated: 2024-11-08. Review status: criteria provided, single submitter. Criteria: Myriad Autosomal Dominant, Autosomal Recessive and X-Linked Classification Criteria (2023). Collection method: clinical testing. Allele origin: unknown.
Comment: This variant is considered likely benign. This variant is intronic and is not expected to impact mRNA splicing.

NM_000245.4(MET):c.2103-15A>T

Gene: MET (MET proto-oncogene, receptor tyrosine kinase; plus strand). Cytogenetic location: 7q31.2.
Variant type: single nucleotide variant.
Coding change: c.2103-15A>T on transcript NM_000245.4 (MANE Select); 15 bases into the intron before coding-DNA position 2103, A replaced by T.
Molecular consequence: intron variant.
Genome position (GRCh38, 1-based): chr7:116,758,444, A>T. VCF-style: chr7-116758444-A-T. GRCh37 (hg19) VCF-style: chr7-116398498-A-T.
Other names: c.2103-15A>T (NM_001127500.3, NM_001324401.3); c.813-15A>T (NM_001324402.2).
Identifiers: ClinVar variation 1553051 (VCV001553051.9), dbSNP rs1471890312, ClinGen allele CA577680691.
Genomic context (GRCh38, chr7:116,758,444, plus strand): 5'-TGATTTGTGGATATAATTCTAAAATATGTGTATCTCTAATAGCTAAAATTCACTTCCTTA[A>T]TTTTTTTTGTTCAGTGTGTCAAACAGTATTCTTGAATGTTATACCCCAGCCCAAACCATT-3'